The following is an entry in ClinVar:

ClinVar aggregate classification (germline): Uncertain significance (1 of 4 stars; one submission).

Submission:

Ambry Genetics
Classification: Uncertain significance. Last evaluated: 2021-06-26. Review status: criteria provided, single submitter. Criteria: Ambry Variant Classification Scheme 2023. Collection method: clinical testing. Allele origin: germline.
Comment: The p.L30V variant (also known as c.88T>G), located in coding exon 1 of the GALNT12 gene, results from a T to G substitution at nucleotide position 88. The leucine at codon 30 is replaced by valine, an amino acid with highly similar properties. This amino acid position is conserved. In addition, this alteration is predicted to be tolerated by in silico analysis. Since supporting evidence is limited at this time, the clinical significance of this alteration remains unclear.

NM_024642.5(GALNT12):c.88T>G (p.Leu30Val)

Genes: GALNT12 (polypeptide N-acetylgalactosaminyltransferase 12; plus strand), LOC130002222 (ATAC-STARR-seq lymphoblastoid silent region 20123; plus strand). Cytogenetic location: 9q22.33.
Variant type: single nucleotide variant.
Coding change: c.88T>G on transcript NM_024642.5 (MANE Select); coding-DNA position 88, T replaced by G.
Protein change: p.Leu30Val; replaces leucine 30 with valine.
Molecular consequence: missense variant.
Genome position (GRCh38, 1-based): chr9:98,807,786, T>G. VCF-style: chr9-98807786-T-G. GRCh37 (hg19) VCF-style: chr9-101570068-T-G.
Other names: short protein forms L30V.
Identifiers: ClinVar variation 1765056 (VCV001765056.2), dbSNP rs1448888444, ClinGen allele CA374222230.